The following is an entry in ClinVar:

ClinVar aggregate classification (germline): Uncertain significance. Review status: criteria provided, multiple submitters, no conflicts (2 of 4 stars). 2 submissions from 2 submitters: Uncertain significance (2). Last evaluated 2025-12-16.

Conditions:
Oligodontia-cancer predisposition syndrome. Also called: TOOTH AGENESIS-COLORECTAL CANCER SYNDROME. Identifiers: Orphanet 300576, MedGen C1837750, MONDO:0012075, OMIM 608615. Disease mechanism: loss of function.
Hereditary cancer-predisposing syndrome. Also called: Hereditary neoplastic syndrome; Tumor predisposition; Neoplastic Syndromes, Hereditary; Hereditary Cancer Syndrome. Identifiers: Orphanet 140162, MedGen C0027672, MeSH D009386, MONDO:0015356.

Submissions (2):

Ambry Genetics
Classification: Uncertain significance for Hereditary cancer-predisposing syndrome. Last evaluated: 2025-12-16. Review status: criteria provided, single submitter. Criteria: Ambry Variant Classification Scheme 2023. Collection method: clinical testing. Allele origin: germline.
Comment: The p.P710H variant (also known as c.2129C>A), located in coding exon 7 of the AXIN2 gene, results from a C to A substitution at nucleotide position 2129. The proline at codon 710 is replaced by histidine, an amino acid with similar properties. This amino acid position is conserved. In addition, the in silico prediction for this alteration is inconclusive. Based on the available evidence, the clinical significance of this variant remains unclear.

Labcorp Genetics (formerly Invitae), Labcorp
Classification: Uncertain significance for Oligodontia-cancer predisposition syndrome. Last evaluated: 2024-09-17. Review status: criteria provided, single submitter. Criteria: Invitae Variant Classification Sherloc (09022015). Collection method: clinical testing. Allele origin: germline.
Comment: This sequence change replaces proline, which is neutral and non-polar, with histidine, which is basic and polar, at codon 710 of the AXIN2 protein (p.Pro710His). This variant is not present in population databases (gnomAD no frequency). This variant has not been reported in the literature in individuals affected with AXIN2-related conditions. ClinVar contains an entry for this variant (Variation ID: 1361022). Invitae Evidence Modeling of protein sequence and biophysical properties (such as structural, functional, and spatial information, amino acid conservation, physicochemical variation, residue mobility, and thermodynamic stability) has been performed for this missense variant. However, the output from this modeling did not meet the statistical confidence thresholds required to predict the impact of this variant on AXIN2 protein function. In summary, the available evidence is currently insufficient to determine the role of this variant in disease. Therefore, it has been classified as a Variant of Uncertain Significance.

NM_004655.4(AXIN2):c.2129C>A (p.Pro710His)

Gene: AXIN2 (axin 2; minus strand). Cytogenetic location: 17q24.1.
Variant type: single nucleotide variant.
Coding change: c.2129C>A on transcript NM_004655.4 (MANE Select); coding-DNA position 2129, C replaced by A.
Protein change: p.Pro710His; replaces proline 710 with histidine.
Molecular consequence: missense variant.
Genome position (GRCh38, 1-based): chr17:65,536,332, G>T on the plus strand (C>A on the coding strand, the complement: AXIN2 is on the minus strand). VCF-style: chr17-65536332-G-T. GRCh37 (hg19) VCF-style: chr17-63532450-G-T.
Other names: c.1934C>A, p.Pro645His (NM_001363813.1); c.2129C>A (NM_004655.3); short protein forms P710H, P645H.
Identifiers: ClinVar variation 1361022 (VCV001361022.9), dbSNP rs2144439156, ClinGen allele CA400675928.
Genomic context (GRCh38, chr17:65,536,332, plus strand): 5'-CCCAAACCCAATCCCTGCCTCAACCTAGGACCCTTCACTTCCACTCACCGCTGCTTTGGG[G>T]GCTTCGACACCTCAGCTAGCCTGCGACAGGCCTCCTCCAGCTGAGCCAGCGTGTTGGGTG-3'
Protein context (NP_004646.3, residues 700-720): ACRRLAEVSK[Pro710His]PKQRCCVASQ